The following is an entry in ClinVar:

NM_033343.4(LHX4):c.898C>A (p.Gln300Lys)

Genes: ACBD6 (acyl-CoA binding domain containing 6; minus strand), LHX4 (LIM homeobox 4; plus strand), LHX4-AS1 (LHX4 antisense RNA 1; minus strand). Cytogenetic location: 1q25.2.
Variant type: single nucleotide variant.
Coding change: c.898C>A on transcript NM_033343.4 (MANE Select); coding-DNA position 898, C replaced by A.
Protein change: p.Gln300Lys; replaces glutamine 300 with lysine.
Molecular consequence: missense variant.
Genome position (GRCh38, 1-based): chr1:180,274,304, C>A. VCF-style: chr1-180274304-C-A. GRCh37 (hg19) VCF-style: chr1-180243439-C-A.
Other names: short protein forms Q300K.
Identifiers: ClinVar variation 2055281 (VCV002055281.4), dbSNP rs2528265211, ClinGen allele CA343600029.

ClinVar aggregate classification (germline): Uncertain significance (1 of 4 stars; one submission).

Submission:

Labcorp Genetics (formerly Invitae), Labcorp
Classification: Uncertain significance. Last evaluated: 2021-12-23. Review status: criteria provided, single submitter. Criteria: Invitae Variant Classification Sherloc (09022015). Collection method: clinical testing. Allele origin: germline.
Comment: In summary, the available evidence is currently insufficient to determine the role of this variant in disease. Therefore, it has been classified as a Variant of Uncertain Significance. Algorithms developed to predict the effect of missense changes on protein structure and function (SIFT, PolyPhen-2, Align-GVGD) all suggest that this variant is likely to be tolerated. This variant has not been reported in the literature in individuals affected with LHX4-related conditions. This variant is not present in population databases (gnomAD no frequency). This sequence change replaces glutamine, which is neutral and polar, with lysine, which is basic and polar, at codon 300 of the LHX4 protein (p.Gln300Lys).